The following is an entry in ClinVar:

NM_001379270.1(CNGA1):c.1420C>T (p.Arg474Cys)

Genes: CNGA1 (cyclic nucleotide gated channel subunit alpha 1; minus strand), LOC101927157 (uncharacterized LOC101927157; plus strand). Cytogenetic location: 4p12.
Variant type: single nucleotide variant.
Coding change: c.1420C>T on transcript NM_001379270.1 (MANE Select); coding-DNA position 1420, C replaced by T.
Protein change: p.Arg474Cys; replaces arginine 474 with cysteine.
Molecular consequence: missense variant.
Genome position (GRCh38, 1-based): chr4:47,937,062, G>A on the plus strand (C>T on the coding strand, the complement: CNGA1 is on the minus strand). VCF-style: chr4-47937062-G-A. GRCh37 (hg19) VCF-style: chr4-47939079-G-A.
Other names: c.1420C>T, p.Arg474Cys (NM_000087.5, NM_001142564.2); short protein forms R474C.
Identifiers: ClinVar variation 1400199 (VCV001400199.9), dbSNP rs765136329, ClinGen allele CA2911080.

ClinVar aggregate classification (germline): Uncertain significance. Review status: criteria provided, multiple submitters, no conflicts (2 of 4 stars). 2 submissions from 2 submitters: Uncertain significance (2). Last evaluated 2023-12-07.

Allele frequency attached by ClinVar (database versions not stated): gnomAD 0.00002 and 0.00003; gnomAD exomes 0.00002 and 0.00005; TOPMed 0.00002; ExAC 0.00006.
gnomAD v4.1: 29 of 1,614,012 alleles (0.0018%); highest among the groups gnomAD compares: East Asian, 0.016%; no homozygotes.

Submissions (2):

Labcorp Genetics (formerly Invitae), Labcorp
Classification: Uncertain significance. Last evaluated: 2023-12-07. Review status: criteria provided, single submitter. Criteria: Invitae Variant Classification Sherloc (09022015). Collection method: clinical testing. Allele origin: germline.
Comment: This sequence change replaces arginine, which is basic and polar, with cysteine, which is neutral and slightly polar, at codon 478 of the CNGA1 protein (p.Arg478Cys). This variant is present in population databases (rs765136329, gnomAD 0.02%). This variant has not been reported in the literature in individuals affected with CNGA1-related conditions. ClinVar contains an entry for this variant (Variation ID: 1400199). An algorithm developed to predict the effect of missense changes on protein structure and function (PolyPhen-2) suggests that this variant is likely to be disruptive. In summary, the available evidence is currently insufficient to determine the role of this variant in disease. Therefore, it has been classified as a Variant of Uncertain Significance.

Blueprint Genetics
Classification: Uncertain significance. Last evaluated: 2022-10-26. Review status: criteria provided, single submitter. Criteria: ACMG Guidelines, 2015. Collection method: clinical testing. Allele origin: germline.